The following is an entry in ClinVar:

NM_024915.4(GRHL2):c.1486G>A (p.Val496Met)

Gene: GRHL2 (grainyhead like transcription factor 2; plus strand). Cytogenetic location: 8q22.3.
Variant type: single nucleotide variant.
Coding change: c.1486G>A on transcript NM_024915.4 (MANE Select); coding-DNA position 1486, G replaced by A.
Protein change: p.Val496Met; replaces valine 496 with methionine.
Molecular consequence: missense variant.
Genome position (GRCh38, 1-based): chr8:101,636,897, G>A. VCF-style: chr8-101636897-G-A. GRCh37 (hg19) VCF-style: chr8-102649125-G-A.
Other names: c.1438G>A, p.Val480Met (NM_001330593.2); short protein forms V480M, V496M.
Identifiers: ClinVar variation 3899642 (VCV003899642.2).

ClinVar aggregate classification (germline): Uncertain significance. Review status: criteria provided, multiple submitters, no conflicts (2 of 4 stars). 2 submissions from 2 submitters: Uncertain significance (2). Last evaluated 2025-12-03.

Conditions:
Inborn genetic diseases. Identifiers: MedGen C0950123, MeSH D030342.

gnomAD v4.1: 16 of 1,613,404 alleles (0.00099%); highest among the groups gnomAD compares: Non-Finnish European, 0.0013%; no homozygotes.

Submissions (2):

Ambry Genetics
Classification: Uncertain significance for Inborn genetic diseases. Last evaluated: 2025-12-03. Review status: criteria provided, single submitter. Criteria: Ambry Variant Classification Scheme 2023. Collection method: clinical testing. Allele origin: germline.

GeneDx
Classification: Uncertain significance. Last evaluated: 2024-11-13. Review status: criteria provided, single submitter. Criteria: GeneDx Variant Classification Process June 2021. Collection method: clinical testing. Allele origin: germline. Affected: yes.
Comment: Not observed at significant frequency in large population cohorts (gnomAD); In silico analysis indicates that this missense variant does not alter protein structure/function; Has not been previously published as pathogenic or benign to our knowledge